The following is an entry in ClinVar:

NM_006940.6(SOX5):c.1831C>G (p.Arg611Gly)

Gene: SOX5 (SRY-box transcription factor 5; minus strand). Cytogenetic location: 12p12.1.
Variant type: single nucleotide variant.
Coding change: c.1831C>G on transcript NM_006940.6 (MANE Select); coding-DNA position 1831, C replaced by G.
Protein change: p.Arg611Gly; replaces arginine 611 with glycine.
Molecular consequence: missense variant.
Genome position (GRCh38, 1-based): chr12:23,536,610, G>C on the plus strand (C>G on the coding strand, the complement: SOX5 is on the minus strand). VCF-style: chr12-23536610-G-C. GRCh37 (hg19) VCF-style: chr12-23689544-G-C.
Other names: c.1468C>G, p.Arg490Gly (NM_001261414.3); c.1801C>G, p.Arg601Gly (NM_001261415.3); c.1726C>G, p.Arg576Gly (NM_001330785.2); c.1792C>G, p.Arg598Gly (NM_152989.5); c.673C>G, p.Arg225Gly (NM_178010.4); short protein forms R598G, R611G, R225G, R490G, R601G, R576G.
Identifiers: ClinVar variation 224817 (VCV000224817.2), dbSNP rs869312867, ClinGen allele CA357926.

ClinVar aggregate classification (germline): Likely pathogenic (1 of 4 stars; one submission).

Conditions:
Cerebral visual impairment and intellectual disability.

Submission:

Lupski Lab, Baylor-Hopkins CMG, Baylor College of Medicine
Classification: Likely pathogenic for Cerebral visual impairment and intellectual disability. Last evaluated: 2015-09-09. Review status: criteria provided, single submitter. Criteria: Bosch et al. (EJHG 2015). Collection method: research. Allele origin: de novo. Affected: yes. Observed: 1 variant allele, 1 heterozygote.
Comment: This study shows that diverse genetic causes underlie CVI.